The following is an entry in ClinVar:

ClinVar aggregate classification (germline): Pathogenic (1 of 4 stars; one submission).

Conditions:
Hereditary nonpolyposis colorectal neoplasms. Identifiers: MedGen C0009405, MeSH D003123.

Submission:

Labcorp Genetics (formerly Invitae), Labcorp
Classification: Pathogenic for Hereditary nonpolyposis colorectal neoplasms. Last evaluated: 2023-07-03. Review status: criteria provided, single submitter. Criteria: Invitae Variant Classification Sherloc (09022015). Collection method: clinical testing. Allele origin: unknown.
Comment: This variant results in the deletion of exons 14-15 and part of exon 13 (c.2185_*113001delinsAG) of the PMS2 gene. While this deletion is not anticipated to lead to nonsense mediated decay, it is expected to alter mRNA translation or result in a truncated protein product. This variant has not been reported in the literature in individuals affected with PMS2-related conditions. This variant disrupts a region of the PMS2 protein in which other variant(s) (deletion of exons 14-15) have been determined to be pathogenic (PMID: 21618646, 24440087, 26318770). This suggests that this is a clinically significant region of the protein, and that variants that disrupt it are likely to be disease-causing. For these reasons, this variant has been classified as Pathogenic.

Literature cited by the submitters: PubMed 21618646; PubMed 24440087; PubMed 26318770.

NC_000007.13:g.(?_5900029)_(6018317_?)del

Genes: CCZ1 (CCZ1 homolog, vacuolar protein trafficking and biogenesis associated; plus strand), OCM (oncomodulin; plus strand), PMS2 (PMS1 homolog 2, mismatch repair system component; minus strand), RSPH10B (radial spoke head 10 homolog B; minus strand). Cytogenetic location: 7p22.1.
Variant type: Deletion.
Identifiers: ClinVar variation 3245662 (VCV003245662.1).